The following is an entry in ClinVar:

NM_003995.4(NPR2):c.1516C>T (p.Arg506Cys)

Gene: NPR2 (natriuretic peptide receptor 2; plus strand). Cytogenetic location: 9p13.3.
Variant type: single nucleotide variant.
Coding change: c.1516C>T on transcript NM_003995.4 (MANE Select); coding-DNA position 1516, C replaced by T.
Protein change: p.Arg506Cys; replaces arginine 506 with cysteine.
Molecular consequence: missense variant.
Genome position (GRCh38, 1-based): chr9:35,801,722, C>T. VCF-style: chr9-35801722-C-T. GRCh37 (hg19) VCF-style: chr9-35801719-C-T.
Other names: c.1525C>T, p.Arg509Cys (NM_001378923.1); short protein forms R506C, R509C.
Identifiers: ClinVar variation 3762966 (VCV003762966.2).
Genomic context (GRCh38, chr9:35,801,722, plus strand): 5'-GAGCTGGCTAGCATGTTGTGGCGTATTCGCTGGGAAGAACTGCAGTTTGGCAACTCAGAG[C>T]GTTATCACAAAGGTGCAGGCAGTCGCCTCACACTGTCGCTGGTGAGCCCTTGTCTCAGCT-3'
Protein context (NP_003986.2, residues 496-516): WEELQFGNSE[Arg506Cys]YHKGAGSRLT

ClinVar aggregate classification (germline): Uncertain significance (1 of 4 stars; one submission).

Conditions:
Acromesomelic dysplasia 1, Maroteaux type (AMD1). Also called: ST. HELENA DYSPLASIA; ACROMESOMELIC DYSPLASIA 1. Identifiers: Orphanet 40, MedGen C1864356, MONDO:0011275, OMIM 602875.
Tall stature-scoliosis-macrodactyly of the great toes syndrome. Also called: Epiphyseal chondrodysplasia, miura type. Identifiers: Orphanet 329191, MedGen C4014690, MONDO:0014401, OMIM 615923.

gnomAD v4.1: 13 of 1,614,158 alleles (0.00081%); highest among the groups gnomAD compares: South Asian, 0.0033%; no homozygotes.

Submission:

Labcorp Genetics (formerly Invitae), Labcorp
Classification: Uncertain significance for Tall stature-scoliosis-macrodactyly of the great toes syndrome; Acromesomelic dysplasia 1, Maroteaux type. Last evaluated: 2024-03-07. Review status: criteria provided, single submitter. Criteria: Invitae Variant Classification Sherloc (09022015). Collection method: clinical testing. Allele origin: germline.
Comment: This sequence change replaces arginine, which is basic and polar, with cysteine, which is neutral and slightly polar, at codon 506 of the NPR2 protein (p.Arg506Cys). This variant is present in population databases (rs114330365, gnomAD 0.004%). This variant has not been reported in the literature in individuals affected with NPR2-related conditions. Advanced modeling of protein sequence and biophysical properties (such as structural, functional, and spatial information, amino acid conservation, physicochemical variation, residue mobility, and thermodynamic stability) performed at Invitae indicates that this missense variant is not expected to disrupt NPR2 protein function with a negative predictive value of 80%. In summary, the available evidence is currently insufficient to determine the role of this variant in disease. Therefore, it has been classified as a Variant of Uncertain Significance.